The following is an entry in ClinVar:

NM_001384140.1(PCDH15):c.804T>A (p.Cys268Ter)

Gene: PCDH15 (protocadherin related 15; minus strand). Cytogenetic location: 10q21.1.
Variant type: single nucleotide variant.
Coding change: c.804T>A on transcript NM_001384140.1 (MANE Select); coding-DNA position 804, T replaced by A.
Protein change: p.Cys268Ter; replaces cysteine 268 with a stop codon.
Molecular consequence: nonsense.
Genome position (GRCh38, 1-based): chr10:54,317,343, A>T on the plus strand (T>A on the coding strand, the complement: PCDH15 is on the minus strand). VCF-style: chr10-54317343-A-T. GRCh37 (hg19) VCF-style: chr10-56077103-A-T.
Other names: c.819T>A, p.Cys273Ter (NM_001142763.2, NM_001142769.4, NM_001142771.2); c.804T>A, p.Cys268Ter (NM_001142764.2, NM_001142765.2, NM_001142766.2 and 7 more transcripts); c.693T>A, p.Cys231Ter (NM_001142767.2); c.738T>A, p.Cys246Ter (NM_001142768.2, NM_001142773.2, NM_001354404.2); short protein forms C231*, C246*, C273*, C268*.
Identifiers: ClinVar variation 2000348 (VCV002000348.4), dbSNP rs2061340335, ClinGen allele CA376540903.

ClinVar aggregate classification (germline): Pathogenic (1 of 4 stars; one submission).

Submission:

Labcorp Genetics (formerly Invitae), Labcorp
Classification: Pathogenic. Last evaluated: 2022-05-29. Review status: criteria provided, single submitter. Criteria: Invitae Variant Classification Sherloc (09022015). Collection method: clinical testing. Allele origin: germline.
Comment: For these reasons, this variant has been classified as Pathogenic. This variant has not been reported in the literature in individuals affected with PCDH15-related conditions. This variant is not present in population databases (gnomAD no frequency). This sequence change creates a premature translational stop signal (p.Cys268*) in the PCDH15 gene. It is expected to result in an absent or disrupted protein product. Loss-of-function variants in PCDH15 are known to be pathogenic (PMID: 11398101, 11487575, 14570705).

Literature cited by the submitters: PubMed 11398101; PubMed 11487575; PubMed 14570705.